The following is an entry in ClinVar:

ClinVar aggregate classification (germline): Uncertain significance (1 of 4 stars; one submission).

Conditions:
ALMS1-related disorder. Also called: ALMS1-related condition.

Submission:

PreventionGenetics, part of Exact Sciences
Classification: Uncertain significance for ALMS1-related condition. Last evaluated: 2023-07-07. Review status: criteria provided, single submitter. Criteria: ACMG Guidelines, 2015. Collection method: clinical testing. Allele origin: germline.
Comment: The ALMS1 c.3809C>A variant is predicted to result in the amino acid substitution p.Pro1270Gln. To our knowledge, this variant has not been reported in the literature. This variant is reported in 0.019% of alleles in individuals of European (Non-Finnish) descent in gnomAD. At this time, the clinical significance of this variant is uncertain due to the absence of conclusive functional and genetic evidence.

NM_001378454.1(ALMS1):c.3806C>A (p.Ser1269Tyr)

Gene: ALMS1 (ALMS1 centrosome and basal body associated protein; plus strand). Cytogenetic location: 2p13.1.
Variant type: single nucleotide variant.
Coding change: c.3806C>A on transcript NM_001378454.1 (MANE Select); coding-DNA position 3806, C replaced by A.
Protein change: p.Ser1269Tyr; replaces serine 1269 with tyrosine.
Molecular consequence: missense variant.
Genome position (GRCh38, 1-based): chr2:73,450,333, C>A. VCF-style: chr2-73450333-C-A. GRCh37 (hg19) VCF-style: chr2-73677460-C-A.
Other names: c.3809C>A, p.Ser1270Tyr (NM_015120.4); short protein forms S1269Y, S1270Y.
Identifiers: ClinVar variation 2631525 (VCV002631525.1), dbSNP rs1671905218, ClinGen allele CA347276761.